The following is an entry in ClinVar:

ClinVar aggregate classification (germline): Pathogenic. Review status: criteria provided, single submitter (1 of 4 stars). 2 submissions from 2 submitters: Pathogenic (1). 1 of the submissions does not count toward it. Last evaluated 2019-07-06.

Conditions:
Renal cysts and diabetes syndrome (RCAD). Also called: Familial hypoplastic, glomerulocystic kidney; MATURITY-ONSET DIABETES OF THE YOUNG, TYPE 5. Identifiers: Orphanet 93111, MedGen C0431693, MONDO:0007669, OMIM 137920.

Submissions (2):

Institute of Human Genetics, FAU Erlangen, Friedrich-Alexander-Universität Erlangen-Nürnberg
Classification: Pathogenic for Renal cysts and diabetes syndrome. Last evaluated: 2019-07-06. Review status: criteria provided, single submitter. Criteria: ACMG Guidelines, 2015. Collection method: literature only. Allele origin: germline. Affected: yes.
Comment: This variant and it's classification has been reported by Vasileiou et al. 2019; DOI:10.1101/576918. The variants has previously been reported in ClinVar:12637; PMID:25700310; PMID:10720943; PMID:27234567; PMID:25536396 as "HNF1B, 5-BP DEL (P328L329fsdelCCTCT); c.982_986delCCTCT p.P328fs" with clinical significance Pathogenic. It has been re-classified using InterVar and manual curation as Pathogenic based on PVS1 PM2 PP3.

OMIM
Classification: Pathogenic for RENAL CYSTS AND DIABETES SYNDROME. Last evaluated: 2000-04-25. Review status: no assertion criteria provided. Collection method: literature only. Allele origin: germline. Not counted in ClinVar's aggregate classification.

Literature cited by the submitters: PubMed 25700310 (cited by Institute of Human Genetics, FAU Erlangen, Friedrich-Alexander-Universität Erlangen-Nürnberg); PubMed 10720943 (cited by Institute of Human Genetics, FAU Erlangen, Friedrich-Alexander-Universität Erlangen-Nürnberg and OMIM); PubMed 27234567 (cited by Institute of Human Genetics, FAU Erlangen, Friedrich-Alexander-Universität Erlangen-Nürnberg); PubMed 25536396 (cited by Institute of Human Genetics, FAU Erlangen, Friedrich-Alexander-Universität Erlangen-Nürnberg); DOI 10.1101/576918 (cited by Institute of Human Genetics, FAU Erlangen, Friedrich-Alexander-Universität Erlangen-Nürnberg); PubMed 10758154 (cited by OMIM).

NM_000458.4(HNF1B):c.982_986del (p.Pro328fs)

Gene: HNF1B (HNF1 homeobox B; minus strand). Cytogenetic location: 17q12.
Variant type: Deletion.
Coding change: c.982_986del on transcript NM_000458.4 (MANE Select); coding-DNA positions 982 to 986, 5 bases deleted (CCTCT; older notation c.982_986delCCTCT).
Protein change: p.Pro328fs; shifts the reading frame from proline 328.
Molecular consequence: frameshift variant.
Genome position (GRCh38, 1-based): chr17:37,731,654-37,731,658, AGAGG deleted on the plus strand (CCTCT on the coding strand, the reverse complement: HNF1B is on the minus strand). VCF-style (leftmost placement, unchanged base first): chr17-37731653-CAGAGG-C. GRCh37 (hg19) VCF-style: chr17-36091644-CAGAGG-C.
Other names: c.904_908del, p.Pro302fs (NM_001165923.4, NM_001304286.2); short protein forms P302fs, P328fs.
Identifiers: ClinVar variation 635618 (VCV000635618.3), dbSNP rs2511800737, ClinGen allele CA913190768.